The following is an entry in ClinVar:

NM_001098511.3(KIF2A):c.1489A>G (p.Arg497Gly)

Gene: KIF2A (kinesin family member 2A; plus strand). Cytogenetic location: 5q12.1.
Variant type: single nucleotide variant.
Coding change: c.1489A>G on transcript NM_001098511.3 (MANE Select); coding-DNA position 1489, A replaced by G.
Protein change: p.Arg497Gly; replaces arginine 497 with glycine.
Molecular consequence: missense variant.
Genome position (GRCh38, 1-based): chr5:62,365,264, A>G. VCF-style: chr5-62365264-A-G. GRCh37 (hg19) VCF-style: chr5-61661091-A-G.
Other names: c.1408A>G, p.Arg470Gly (NM_001243952.2); c.1432A>G, p.Arg478Gly (NM_001243953.2); c.1489A>G, p.Arg497Gly (NM_004520.5); short protein forms R470G, R478G, R497G.
Identifiers: ClinVar variation 2718863 (VCV002718863.3), dbSNP rs1402946368, ClinGen allele CA359951727.

ClinVar aggregate classification (germline): Uncertain significance (1 of 4 stars; one submission).

Allele frequency attached by ClinVar (database versions not stated): gnomAD 0.00001.

Submission:

Labcorp Genetics (formerly Invitae), Labcorp
Classification: Uncertain significance. Last evaluated: 2023-06-18. Review status: criteria provided, single submitter. Criteria: Invitae Variant Classification Sherloc (09022015). Collection method: clinical testing. Allele origin: germline.
Comment: An algorithm developed to predict the effect of missense changes on protein structure and function (PolyPhen-2) suggests that this variant is likely to be disruptive. In summary, the available evidence is currently insufficient to determine the role of this variant in disease. Therefore, it has been classified as a Variant of Uncertain Significance. This variant has not been reported in the literature in individuals affected with KIF2A-related conditions. This variant is present in population databases (no rsID available, gnomAD 0.007%). This sequence change replaces arginine, which is basic and polar, with glycine, which is neutral and non-polar, at codon 497 of the KIF2A protein (p.Arg497Gly).